The following is an entry in ClinVar:

NM_005359.6(SMAD4):c.445C>A (p.Gln149Lys)

Gene: SMAD4 (SMAD family member 4; plus strand). Cytogenetic location: 18q21.2.
Variant type: single nucleotide variant.
Coding change: c.445C>A on transcript NM_005359.6 (MANE Select); coding-DNA position 445, C replaced by A.
Protein change: p.Gln149Lys; replaces glutamine 149 with lysine.
Molecular consequence: missense variant.
Genome position (GRCh38, 1-based): chr18:51,049,315, C>A. VCF-style: chr18-51049315-C-A. GRCh37 (hg19) VCF-style: chr18-48575685-C-A.
Other names: short protein forms Q149K.
Identifiers: ClinVar variation 824904 (VCV000824904.11), dbSNP rs1599182912, ClinGen allele CA402459587.

ClinVar aggregate classification (germline): Uncertain significance. Review status: criteria provided, multiple submitters, no conflicts (2 of 4 stars). 2 submissions from 2 submitters: Uncertain significance (2). Last evaluated 2025-04-28.

Conditions:
Juvenile polyposis syndrome (JPS). Identifiers: Orphanet 2929, MedGen C0345893, MONDO:0017380, OMIM 174900.
Hereditary cancer-predisposing syndrome. Also called: Neoplastic Syndromes, Hereditary; Hereditary Cancer Syndrome; Hereditary neoplastic syndrome; Tumor predisposition. Identifiers: Orphanet 140162, MedGen C0027672, MeSH D009386, MONDO:0015356.
Familial thoracic aortic aneurysm and aortic dissection (TAAD). Also called: Thoracic aortic aneurysms and dissections. Identifiers: Orphanet 91387, MedGen C4707243, MONDO:0019625.

Allele frequency attached by ClinVar (database versions not stated): TOPMed below 0.00001.

Submissions (2):

Ambry Genetics
Classification: Uncertain significance for Hereditary cancer-predisposing syndrome; Familial thoracic aortic aneurysm and aortic dissection. Last evaluated: 2025-04-28. Review status: criteria provided, single submitter. Criteria: Ambry Variant Classification Scheme 2023. Collection method: clinical testing. Allele origin: germline.
Comment: The p.Q149K variant (also known as c.445C>A), located in coding exon 3 of the SMAD4 gene, results from a C to A substitution at nucleotide position 445. The glutamine at codon 149 is replaced by lysine, an amino acid with similar properties. This amino acid position is highly conserved in available vertebrate species. In addition, this alteration is predicted to be deleterious by in silico analysis. Since supporting evidence is limited at this time, the clinical significance of this alteration remains unclear.

Labcorp Genetics (formerly Invitae), Labcorp
Classification: Uncertain significance for Juvenile polyposis syndrome. Last evaluated: 2023-10-19. Review status: criteria provided, single submitter. Criteria: Invitae Variant Classification Sherloc (09022015). Collection method: clinical testing. Allele origin: germline.
Comment: This sequence change replaces glutamine, which is neutral and polar, with lysine, which is basic and polar, at codon 149 of the SMAD4 protein (p.Gln149Lys). This variant is not present in population databases (gnomAD no frequency). This variant has not been reported in the literature in individuals affected with SMAD4-related conditions. ClinVar contains an entry for this variant (Variation ID: 824904). Advanced modeling of protein sequence and biophysical properties (such as structural, functional, and spatial information, amino acid conservation, physicochemical variation, residue mobility, and thermodynamic stability) has been performed at Invitae for this missense variant, however the output from this modeling did not meet the statistical confidence thresholds required to predict the impact of this variant on SMAD4 protein function. In summary, the available evidence is currently insufficient to determine the role of this variant in disease. Therefore, it has been classified as a Variant of Uncertain Significance.